The following is an entry in ClinVar:

ClinVar aggregate classification (germline): Uncertain significance (1 of 4 stars; one submission).

Conditions:
Supravalvar aortic stenosis (SVAS). Also called: Supravalvar aortic stenosis, Eisenberg type. Identifiers: Orphanet 3193, MedGen C0003499, MONDO:0008504, OMIM 185500, HP:0004381.

Submission:

Labcorp Genetics (formerly Invitae), Labcorp
Classification: Uncertain significance for Supravalvar aortic stenosis. Last evaluated: 2025-11-03. Review status: criteria provided, single submitter. Criteria: Invitae Variant Classification Sherloc (09022015). Collection method: clinical testing. Allele origin: germline.
Comment: This sequence change replaces valine, which is neutral and non-polar, with alanine, which is neutral and non-polar, at codon 136 of the ELN protein (p.Val136Ala). This variant is not present in population databases (gnomAD no frequency). This variant has not been reported in the literature in individuals affected with ELN-related conditions. Invitae Evidence Modeling of protein sequence and biophysical properties (such as structural, functional, and spatial information, amino acid conservation, physicochemical variation, residue mobility, and thermodynamic stability) indicates that this missense variant is not expected to disrupt ELN protein function with a negative predictive value of 80%. In summary, the available evidence is currently insufficient to determine the role of this variant in disease. Therefore, it has been classified as a Variant of Uncertain Significance.

NM_000501.4(ELN):c.407T>C (p.Val136Ala)

Gene: ELN (elastin; plus strand). Cytogenetic location: 7q11.23.
Variant type: single nucleotide variant.
Coding change: c.407T>C on transcript NM_000501.4 (MANE Select); coding-DNA position 407, T replaced by C.
Protein change: p.Val136Ala; replaces valine 136 with alanine.
Molecular consequence: missense variant.
Genome position (GRCh38, 1-based): chr7:74,043,148, T>C. VCF-style: chr7-74043148-T-C. GRCh37 (hg19) VCF-style: chr7-73457478-T-C.
Other names: c.377T>C, p.Val126Ala (NM_001081752.3, NM_001278917.2, NM_001278918.2); c.422T>C, p.Val141Ala (NM_001081753.3, NM_001081754.3); c.407T>C, p.Val136Ala (NM_001081755.3, NM_001278912.2, NM_001278915.2 and 2 more transcripts); c.371T>C, p.Val124Ala (NM_001278913.2); c.392T>C, p.Val131Ala (NM_001278914.2); short protein forms V124A, V126A, V131A, V136A, V141A.
Identifiers: ClinVar variation 4738307 (VCV004738307.1).